The following is an entry in ClinVar:

ClinVar aggregate classification (germline): Uncertain significance. Review status: criteria provided, multiple submitters, no conflicts (2 of 4 stars). 3 submissions from 3 submitters: Uncertain significance (3). Last evaluated 2026-08-03.

Conditions:
Microcephalic osteodysplastic primordial dwarfism type II (MOPD2). Also called: OSTEODYSPLASTIC PRIMORDIAL DWARFISM, TYPE II; Microcephalic osteodysplastic primordial dwarfism with tooth abnormalities; MOPD II. Identifiers: Orphanet 2637, MedGen C0432246, MONDO:0008872, OMIM 210720.
PCNT-related disorder. Also called: PCNT-related condition.

Allele frequency attached by ClinVar (database versions not stated): ExAC 0.00002; gnomAD exomes 0.00002; TOPMed 0.00002; gnomAD 0.00004 and 0.00005; ESP Exome Variant Server 0.00008.
gnomAD v4.1: 28 of 1,613,866 alleles (0.0017%); highest among the groups gnomAD compares: African/African-American, 0.004%; no homozygotes.

Submissions (3):

PreventionGenetics, part of Exact Sciences
Classification: Uncertain significance for PCNT-related condition. Last evaluated: 2026-08-03. Review status: criteria provided, single submitter. Criteria: ACMG Guidelines, 2015. Collection method: clinical testing. Allele origin: germline.
Comment: The PCNT c.9532G>C variant is predicted to result in the amino acid substitution p.Gly3178Arg. To our knowledge, this variant has not been reported in the literature. This variant is reported in 0.0040% of alleles in individuals of African descent in gnomAD. At this time, the clinical significance of this variant is uncertain due to the absence of conclusive functional and genetic evidence.

Labcorp Genetics (formerly Invitae), Labcorp
Classification: Uncertain significance. Last evaluated: 2024-11-15. Review status: criteria provided, single submitter. Criteria: Invitae Variant Classification Sherloc (09022015). Collection method: clinical testing. Allele origin: germline.
Comment: This sequence change replaces glycine, which is neutral and non-polar, with arginine, which is basic and polar, at codon 3178 of the PCNT protein (p.Gly3178Arg). This variant is present in population databases (rs372024492, gnomAD 0.004%). This variant has not been reported in the literature in individuals affected with PCNT-related conditions. ClinVar contains an entry for this variant (Variation ID: 340545). An algorithm developed to predict the effect of missense changes on protein structure and function (PolyPhen-2) suggests that this variant is likely to be disruptive. In summary, the available evidence is currently insufficient to determine the role of this variant in disease. Therefore, it has been classified as a Variant of Uncertain Significance.

Illumina Laboratory Services, Illumina
Classification: Uncertain significance for Microcephalic osteodysplastic primordial dwarfism type II. Last evaluated: 2018-01-13. Review status: criteria provided, single submitter. Criteria: ICSL Variant Classification Criteria 13 December 2019. Collection method: clinical testing. Allele origin: germline.

NM_006031.6(PCNT):c.9532G>C (p.Gly3178Arg)

Gene: PCNT (pericentrin; plus strand). Cytogenetic location: 21q22.3.
Variant type: single nucleotide variant.
Coding change: c.9532G>C on transcript NM_006031.6 (MANE Select); coding-DNA position 9532, G replaced by C.
Protein change: p.Gly3178Arg; replaces glycine 3178 with arginine.
Molecular consequence: missense variant.
Genome position (GRCh38, 1-based): chr21:46,440,993, G>C. VCF-style: chr21-46440993-G-C. GRCh37 (hg19) VCF-style: chr21-47860906-G-C.
Other names: c.8941G>C, p.Gly2981Arg (NM_001315529.2); short protein forms G3178R, G2981R.
Identifiers: ClinVar variation 340545 (VCV000340545.8), dbSNP rs372024492, ClinGen allele CA10081345.